The following is an entry in ClinVar:

NM_005263.5(GFI1):c.52C>T (p.Pro18Ser)

Gene: GFI1 (growth factor independent 1 transcriptional repressor; minus strand). Cytogenetic location: 1p22.1.
Variant type: single nucleotide variant.
Coding change: c.52C>T on transcript NM_005263.5 (MANE Select); coding-DNA position 52, C replaced by T.
Protein change: p.Pro18Ser; replaces proline 18 with serine.
Molecular consequence: missense variant.
Genome position (GRCh38, 1-based): chr1:92,483,436, G>A on the plus strand (C>T on the coding strand, the complement: GFI1 is on the minus strand). VCF-style: chr1-92483436-G-A. GRCh37 (hg19) VCF-style: chr1-92948993-G-A.
Other names: c.52C>T, p.Pro18Ser (NM_001127215.3, NM_001127216.3); short protein forms P18S.
Identifiers: ClinVar variation 1030898 (VCV001030898.1), dbSNP rs1658381767, ClinGen allele CA341150795.
Genomic context (GRCh38, chr1:92,483,436, plus strand): 5'-CTCGGCTAGGCGCCGGTACATTCTCTAAACGGAGGGAATAGTCTGGTCCTGGGGAGCGCG[G>A]CTGGTGGTAGCTGTGAGCCTTCTTGCTTTTGACGAGAAATGAGCGCGGCATGGTGGTCCG-3'
Protein context (NP_005254.2, residues 8-28): KSKKAHSYHQ[Pro18Ser]RSPGPDYSLR

ClinVar aggregate classification (germline): Uncertain significance (1 of 4 stars; one submission).

Conditions:
Neutropenia, severe congenital, 2, autosomal dominant. Identifiers: Orphanet 486, MedGen C2751288, MONDO:0013139, OMIM 613107.

Submission:

Baylor Genetics
Classification: Uncertain significance for Neutropenia, severe congenital, 2, autosomal dominant. Last evaluated: 2019-12-16. Review status: criteria provided, single submitter. Criteria: ACMG Guidelines, 2015. Collection method: clinical testing. Allele origin: unknown. Affected: yes.
Comment: This variant was determined to be of uncertain significance according to ACMG Guidelines, 2015 [PMID:25741868].